The following is an entry in ClinVar:

NM_001375524.1(TRRAP):c.6179A>C (p.Asp2060Ala)

Gene: TRRAP (transformation/transcription domain associated protein; plus strand). Cytogenetic location: 7q22.1.
Variant type: single nucleotide variant.
Coding change: c.6179A>C on transcript NM_001375524.1 (MANE Select); coding-DNA position 6179, A replaced by C.
Protein change: p.Asp2060Ala; replaces aspartic acid 2060 with alanine.
Molecular consequence: missense variant.
Genome position (GRCh38, 1-based): chr7:98,956,481, A>C. VCF-style: chr7-98956481-A-C. GRCh37 (hg19) VCF-style: chr7-98554104-A-C.
Other names: c.6158A>C, p.Asp2053Ala (NM_001244580.2); c.6104A>C, p.Asp2035Ala (NM_003496.4); short protein forms D2060A, D2035A, D2053A.
Identifiers: ClinVar variation 4703823 (VCV004703823.1).

ClinVar aggregate classification (germline): Uncertain significance (1 of 4 stars; one submission).

gnomAD v4.1: 2 of 1,614,214 alleles (0.00012%); highest among the groups gnomAD compares: Non-Finnish European, 0.00017%; no homozygotes.

Submission:

Labcorp Genetics (formerly Invitae), Labcorp
Classification: Uncertain significance. Last evaluated: 2025-08-14. Review status: criteria provided, single submitter. Criteria: Invitae Variant Classification Sherloc (09022015). Collection method: clinical testing. Allele origin: germline.
Comment: This sequence change replaces aspartic acid, which is acidic and polar, with alanine, which is neutral and non-polar, at codon 2035 of the TRRAP protein (p.Asp2035Ala). This variant is present in population databases (rs782592088, gnomAD 0.002%). This variant has not been reported in the literature in individuals affected with TRRAP-related conditions. Invitae Evidence Modeling of protein sequence and biophysical properties (such as structural, functional, and spatial information, amino acid conservation, physicochemical variation, residue mobility, and thermodynamic stability) indicates that this missense variant is not expected to disrupt TRRAP protein function with a negative predictive value of 80%. In summary, the available evidence is currently insufficient to determine the role of this variant in disease. Therefore, it has been classified as a Variant of Uncertain Significance.